The following is an entry in ClinVar:

NM_006393.3(NEBL):c.1672-5T>G

Gene: NEBL (nebulette; minus strand). Cytogenetic location: 10p12.31.
Variant type: single nucleotide variant.
Coding change: c.1672-5T>G on transcript NM_006393.3 (MANE Select); 5 bases into the intron before coding-DNA position 1672, T replaced by G.
Molecular consequence: intron variant.
Genome position (GRCh38, 1-based): chr10:20,828,639, A>C on the plus strand (T>G on the coding strand, the complement: NEBL is on the minus strand). VCF-style: chr10-20828639-A-C. GRCh37 (hg19) VCF-style: chr10-21117568-A-C.
Other names: c.250-15699T>G (NM_001377326.1, NM_001377327.1, NM_001377328.1); c.358-15699T>G (NM_213569.2, NM_001173484.2, NM_001377322.1); c.301-15699T>G (NM_001377324.1); c.292-15699T>G (NM_001377325.1); c.310-15699T>G (NM_001377323.1).
Identifiers: ClinVar variation 2006350 (VCV002006350.4), dbSNP rs2491743074, ClinGen allele CA2580081393.

ClinVar aggregate classification (germline): Uncertain significance (1 of 4 stars; one submission).

Conditions:
Primary dilated cardiomyopathy (DCM). Also called: Dilated Cardiomyopathy. Identifiers: Orphanet 217604, MedGen C0007193, MeSH D002311, MONDO:0005021, HP:0001644. Inheritance: Various modes of inheritance.

Submission:

Labcorp Genetics (formerly Invitae), Labcorp
Classification: Uncertain significance for Primary dilated cardiomyopathy. Last evaluated: 2022-06-14. Review status: criteria provided, single submitter. Criteria: Invitae Variant Classification Sherloc (09022015). Collection method: clinical testing. Allele origin: germline.
Comment: In summary, the available evidence is currently insufficient to determine the role of this variant in disease. Therefore, it has been classified as a Variant of Uncertain Significance. Algorithms developed to predict the effect of sequence changes on RNA splicing suggest that this variant may disrupt the consensus splice site. This variant has not been reported in the literature in individuals affected with NEBL-related conditions. This variant is not present in population databases (gnomAD no frequency). This sequence change falls in intron 16 of the NEBL gene. It does not directly change the encoded amino acid sequence of the NEBL protein.